The following is an entry in ClinVar:

NM_013275.6(ANKRD11):c.2437G>A (p.Ala813Thr)

Gene: ANKRD11 (ankyrin repeat domain containing 11; minus strand). Cytogenetic location: 16q24.3.
Variant type: single nucleotide variant.
Coding change: c.2437G>A on transcript NM_013275.6 (MANE Select); coding-DNA position 2437, G replaced by A.
Protein change: p.Ala813Thr; replaces alanine 813 with threonine.
Molecular consequence: missense variant.
Genome position (GRCh38, 1-based): chr16:89,284,105, C>T on the plus strand (G>A on the coding strand, the complement: ANKRD11 is on the minus strand). VCF-style: chr16-89284105-C-T. GRCh37 (hg19) VCF-style: chr16-89350513-C-T.
Other names: c.2437G>A, p.Ala813Thr (NM_001256182.2, NM_001256183.2); c.2437G>A (NM_013275.5); short protein forms A813T.
Identifiers: ClinVar variation 2227829 (VCV002227829.4), dbSNP rs2544241204, ClinGen allele CA397162414.
Genomic context (GRCh38, chr16:89,284,105, plus strand): 5'-GGCTAAATTTGGTGTCTTCATTCTCCAGAAACTGATTTTTGTTACAATATTCGTCAAAAG[C>T]AGAATCTTCCCTATAAACCTTTTCTTTTTTGAGTTTTTCTTTATCTTCTTTAAAAATCTT-3'
Protein context (NP_037407.4, residues 803-823): KKEKVYREDS[Ala813Thr]FDEYCNKNQF

ClinVar aggregate classification (germline): Uncertain significance. Review status: criteria provided, multiple submitters, no conflicts (2 of 4 stars). 2 submissions from 2 submitters: Uncertain significance (2). Last evaluated 2024-03-10.

Conditions:
Inborn genetic diseases. Identifiers: MedGen C0950123, MeSH D030342.

Submissions (2):

GeneDx
Classification: Uncertain significance. Last evaluated: 2024-03-10. Review status: criteria provided, single submitter. Criteria: GeneDx Variant Classification Process June 2021. Collection method: clinical testing. Allele origin: germline. Affected: yes.
Comment: Not observed at significant frequency in large population cohorts (gnomAD); In silico analysis supports that this missense variant does not alter protein structure/function; Has not been previously published as pathogenic or benign to our knowledge

Ambry Genetics
Classification: Uncertain significance for Inborn genetic diseases. Last evaluated: 2020-10-30. Review status: criteria provided, single submitter. Criteria: Ambry Variant Classification Scheme 2023. Collection method: clinical testing. Allele origin: germline.
Comment: The c.2437G>A (p.A813T) alteration is located in exon 9 (coding exon 7) of the ANKRD11 gene. This alteration results from a G to A substitution at nucleotide position 2437, causing the alanine (A) at amino acid position 813 to be replaced by a threonine (T). Based on data from the Genome Aggregation Database (gnomAD), the ANKRD11 c.2437G>A alteration was not observed, with coverage at this position. This amino acid position is not well conserved in available vertebrate species. The p.A813T alteration is predicted to be tolerated by in silico analysis. Based on insufficient or conflicting evidence, the clinical significance of this alteration remains unclear.